The following is an entry in ClinVar:

NM_207361.6(FREM2):c.6597C>A (p.Cys2199Ter)

Gene: FREM2 (FRAS1 related extracellular matrix 2; plus strand). Cytogenetic location: 13q13.3.
Variant type: single nucleotide variant.
Coding change: c.6597C>A on transcript NM_207361.6 (MANE Select); coding-DNA position 6597, C replaced by A.
Protein change: p.Cys2199Ter; replaces cysteine 2199 with a stop codon.
Molecular consequence: nonsense.
Genome position (GRCh38, 1-based): chr13:38,850,963, C>A. VCF-style: chr13-38850963-C-A. GRCh37 (hg19) VCF-style: chr13-39425100-C-A.
Other names: short protein forms C2199*.
Identifiers: ClinVar variation 2770429 (VCV002770429.3), dbSNP rs755689589, ClinGen allele CA387896652.
Genomic context (GRCh38, chr13:38,850,963, plus strand): 5'-TCCTATGGGATGTGATTGACCTGCTGACATTATTGTTCCAGGTGAGACAGAAAAGCCCTG[C>A]ATTCTTGAGCTGATGGACGATGTGCTCTATGAGGAGGTAGAGGAGCTCCGCCTGGTACTC-3'

ClinVar aggregate classification (germline): Pathogenic (1 of 4 stars; one submission).

Submission:

Labcorp Genetics (formerly Invitae), Labcorp
Classification: Pathogenic. Last evaluated: 2023-10-22. Review status: criteria provided, single submitter. Criteria: Invitae Variant Classification Sherloc (09022015). Collection method: clinical testing. Allele origin: germline.
Comment: This sequence change creates a premature translational stop signal (p.Cys2199*) in the FREM2 gene. It is expected to result in an absent or disrupted protein product. Loss-of-function variants in FREM2 are known to be pathogenic (PMID: 18203166, 26552811). This variant is not present in population databases (gnomAD no frequency). This variant has not been reported in the literature in individuals affected with FREM2-related conditions. For these reasons, this variant has been classified as Pathogenic.

Literature cited by the submitters: PubMed 18203166; PubMed 26552811.